The following is an entry in ClinVar:

NM_005751.5(AKAP9):c.10494G>T (p.Leu3498Phe)

Gene: AKAP9 (A-kinase anchoring protein 9; plus strand). Cytogenetic location: 7q21.2.
Variant type: single nucleotide variant.
Coding change: c.10494G>T on transcript NM_005751.5 (MANE Select); coding-DNA position 10494, G replaced by T.
Protein change: p.Leu3498Phe; replaces leucine 3498 with phenylalanine.
Molecular consequence: missense variant.
Genome position (GRCh38, 1-based): chr7:92,097,681, G>T. VCF-style: chr7-92097681-G-T. GRCh37 (hg19) VCF-style: chr7-91726995-G-T.
Other names: c.5139G>T, p.Leu1713Phe (NM_001379277.1); c.10470G>T, p.Leu3490Phe (NM_147185.3); short protein forms L1713F, L3490F, L3498F.
Identifiers: ClinVar variation 1015371 (VCV001015371.6), dbSNP rs1816853027, ClinGen allele CA368156614.

ClinVar aggregate classification (germline): Uncertain significance (1 of 4 stars; one submission).

Conditions:
Long QT syndrome (LQTS). Identifiers: MedGen C0023976, MeSH D008133, MONDO:0002442. Disease mechanism: loss of function. Inheritance: Various modes of inheritance.

Submission:

Labcorp Genetics (formerly Invitae), Labcorp
Classification: Uncertain significance for Long QT syndrome. Last evaluated: 2023-07-19. Review status: criteria provided, single submitter. Criteria: Invitae Variant Classification Sherloc (09022015). Collection method: clinical testing. Allele origin: germline.
Comment: This variant has not been reported in the literature in individuals affected with AKAP9-related conditions. In summary, the available evidence is currently insufficient to determine the role of this variant in disease. Therefore, it has been classified as a Variant of Uncertain Significance. This variant is not present in population databases (gnomAD no frequency). This sequence change replaces leucine, which is neutral and non-polar, with phenylalanine, which is neutral and non-polar, at codon 3498 of the AKAP9 protein (p.Leu3498Phe). ClinVar contains an entry for this variant (Variation ID: 1015371). An algorithm developed to predict the effect of missense changes on protein structure and function (PolyPhen-2) suggests that this variant is likely to be disruptive.